The following is an entry in ClinVar:

ClinVar aggregate classification (germline): Uncertain significance (1 of 4 stars; one submission).

Conditions:
Familial thoracic aortic aneurysm and aortic dissection (TAAD). Also called: Thoracic aortic aneurysms and dissections. Identifiers: Orphanet 91387, MedGen C4707243, MONDO:0019625.

Submission:

Color Diagnostics, LLC DBA Color Health
Classification: Uncertain significance for Familial thoracic aortic aneurysm and aortic dissection. Last evaluated: 2019-05-15. Review status: criteria provided, single submitter. Criteria: ACMG Guidelines, 2015. Collection method: clinical testing. Allele origin: germline.
Comment: This variant causes a deletion of a single amino acid in the MYH11 protein. To our knowledge, functional assays have not been performed for this variant. Computational splicing tools suggest that this variant may not impact RNA splicing. This variant has not been reported in individuals affected with cardiovascular disorders in the literature. This variant has not been identified in the general population by the Genome Aggregation Database (gnomAD). Available evidence is insufficient to determine the role of this variant in disease conclusively. Therefore, this variant is classified as a Variant of Uncertain Significance.

NM_002474.3(MYH11):c.5404_5406del (p.His1802del)

Genes: NDE1 (nudE neurodevelopment protein 1; plus strand), MYH11 (myosin heavy chain 11; minus strand). Cytogenetic location: 16p13.11.
Variant type: Deletion.
Coding change: c.5404_5406del on transcript NM_002474.3 (MANE Select); coding-DNA positions 5404 to 5406, 3 bases deleted (CAC; older notation c.5404_5406delCAC).
Protein change: p.His1802del; deletes histidine 1802.
Molecular consequence: inframe deletion. On other transcripts: intron variant (2).
Genome position (GRCh38, 1-based): chr16:15,717,238-15,717,240, GTG deleted on the plus strand (CAC on the coding strand, the reverse complement: MYH11 is on the minus strand); deleting any 3 consecutive bases within chr16:15,717,238-15,717,241 gives the same sequence; the c. name uses the placement nearest the transcript's 3' end. VCF-style (leftmost placement, unchanged base first): chr16-15717237-CGTG-C. GRCh37 (hg19) VCF-style: chr16-15811094-CGTG-C.
Other names: c.5425_5427del, p.His1809del (NM_001040113.2, NM_001040114.2); c.5404_5406del, p.His1802del (NM_022844.3); c.948-6952_948-6950del (NM_001143979.2, NM_017668.3); short protein forms H1809del, H1802del.
Identifiers: ClinVar variation 924664 (VCV000924664.3), dbSNP rs2040205677, ClinGen allele CA913188684.
Genomic context (GRCh38, chr16:15,717,237, plus strand): 5'-TCTTGGCCTCCAGCGCCGCGATGGTGGACTTGAACTTGGACTTGACGGCCCCCTCCATCT[CGTG>C]GAGCTTGCTCCGGAGCTCCTTGTTCTGCCGCTCGAGCTGCTGCCGGGCACTCTCATTCTT-3'